The following is an entry in ClinVar:

NM_138694.4(PKHD1):c.5751+1G>T

Gene: PKHD1 (PKHD1 ciliary IPT domain containing fibrocystin/polyductin; minus strand). Cytogenetic location: 6p12.2.
Variant type: single nucleotide variant.
Coding change: c.5751+1G>T on transcript NM_138694.4 (MANE Select); the canonical splice donor site of the intron after coding-DNA position 5751, G replaced by T.
Molecular consequence: splice donor variant.
Genome position (GRCh38, 1-based): chr6:52,010,308, C>A on the plus strand (G>T on the coding strand, the complement: PKHD1 is on the minus strand). VCF-style: chr6-52010308-C-A. GRCh37 (hg19) VCF-style: chr6-51875106-C-A.
Other names: c.5751+1G>T (NM_170724.3).
Identifiers: ClinVar variation 4816701 (VCV004816701.1).
Genomic context (GRCh38, chr6:52,010,308, plus strand): 5'-ACAATATTACAAATTTAATTTGAGCTGTTTGAATCAGTCTGTAAAAAAGATTTGATTATA[C>A]CTGAGTGTTCTGGCCCCAGCGTTTCCGTATCTCAGTAATCTTGACGGTAATTGGCTGATT-3'

ClinVar aggregate classification (germline): Pathogenic (1 of 4 stars; one submission).

Conditions:
Autosomal recessive polycystic kidney disease (ARPKD). Also called: AR polycystic kidney disease. Identifiers: Orphanet 731, Orphanet 8378, MedGen C0085548, MeSH D017044, MONDO:0009889.

Submission:

Natera, Inc.
Classification: Pathogenic for Autosomal recessive polycystic kidney disease. Last evaluated: 2025-11-24. Review status: criteria provided, single submitter. Criteria: Natera Variant Classification Schema (03/2026). Collection method: clinical testing. Allele origin: germline.
Comment: The c.5751+1G>T variant in PKHD1 is a canonical splice donor site variant predicted to affect pre-mRNA splicing, which may result in an abnormal transcript and altered protein product. This variant is expected to result in nonsense mediated decay, truncation, or a dysfunctional protein product. This variant is rare in the general population with a frequency below the threshold expected for the associated phenotype(s). Another variant at this same site results in an alteration predicted to cause a similar molecular effect has been observed in individual(s) with the associated phenotype. Given the available evidence, this variant is classified as Pathogenic.